The following is an entry in ClinVar:

NM_014844.5(TECPR2):c.4082-16G>A

Gene: TECPR2 (tectonin beta-propeller repeat containing 2; plus strand). Cytogenetic location: 14q32.31.
Variant type: single nucleotide variant.
Coding change: c.4082-16G>A on transcript NM_014844.5 (MANE Select); 16 bases into the intron before coding-DNA position 4082, G replaced by A.
Molecular consequence: intron variant.
Genome position (GRCh38, 1-based): chr14:102,498,087, G>A. VCF-style: chr14-102498087-G-A. GRCh37 (hg19) VCF-style: chr14-102964424-G-A.
Identifiers: ClinVar variation 511255 (VCV000511255.7), dbSNP rs116168966, ClinGen allele CA7358467.

ClinVar aggregate classification (germline): Benign/Likely benign. Review status: criteria provided, multiple submitters, no conflicts (2 of 4 stars). 3 submissions from 3 submitters: Benign (1); Likely benign (2). Last evaluated 2026-01-25.

Conditions:
Hereditary spastic paraplegia 49 (HSAN9). Also called: Spastic paraplegia 49, autosomal recessive; NEUROPATHY, HEREDITARY SENSORY AND AUTONOMIC, TYPE IX, WITH DEVELOPMENTAL DELAY; TECPR2-Related Hereditary Sensory and Autonomic Neuropathy with Intellectual Disability. Identifiers: Orphanet 320385, MedGen C5190860, MONDO:0014016, OMIM 615031.

Allele frequency attached by ClinVar (database versions not stated): gnomAD exomes 0.00048 and 0.00122; ExAC 0.00147; gnomAD 0.00504 and 0.00545; 1000 Genomes Project 0.00539; TOPMed 0.00583; 1000 Genomes Project 30x 0.00593; ESP Exome Variant Server 0.00607.
gnomAD v4.1: 1,490 of 1,611,800 alleles (0.092%); highest among the groups gnomAD compares: African/African-American, 1.7%; 10 homozygotes.

Submissions (3):

Labcorp Genetics (formerly Invitae), Labcorp
Classification: Benign for Hereditary spastic paraplegia 49. Last evaluated: 2026-01-25. Review status: criteria provided, single submitter. Criteria: Invitae Variant Classification Sherloc (09022015). Collection method: clinical testing. Allele origin: germline.

Blueprint Genetics
Classification: Likely benign. Last evaluated: 2024-10-08. Review status: criteria provided, single submitter. Criteria: ACMG Guidelines, 2015. Collection method: clinical testing. Allele origin: germline.

GeneDx
Classification: Likely benign. Last evaluated: 2018-01-09. Review status: criteria provided, single submitter. Criteria: GeneDx Variant Classification (06012015). Collection method: clinical testing. Allele origin: germline. Affected: yes.
Comment: This variant is considered likely benign or benign based on one or more of the following criteria: it is a conservative change, it occurs at a poorly conserved position in the protein, it is predicted to be benign by multiple in silico algorithms, and/or has population frequency not consistent with disease.